The following is an entry in ClinVar:

ClinVar aggregate classification (germline): Uncertain significance (1 of 4 stars; one submission).

Conditions:
Cerebellar-facial-dental syndrome. Also called: Cerebellofaciodental syndrome. Identifiers: Orphanet 444072, MedGen C4015495, MONDO:0014529, OMIM 616202.

gnomAD v4.1: 1 of 1,609,674 alleles (0.000062%); highest among the groups gnomAD compares: African/African-American, 0.0013%; no homozygotes.

Submission:

Laboratorio de Genetica e Diagnostico Molecular, Hospital Israelita Albert Einstein
Classification: Uncertain significance for Cerebellar-facial-dental syndrome. Last evaluated: 2024-09-25. Review status: criteria provided, single submitter. Criteria: ACMG Guidelines, 2015. Collection method: clinical testing. Allele origin: germline. Affected: yes.
Comment: ACMG classification criteria: PM2 supporting

NM_001519.4(BRF1):c.1378-12G>C

Gene: BRF1 (BRF1 general transcription factor IIIB subunit; minus strand). Cytogenetic location: 14q32.33.
Variant type: single nucleotide variant.
Coding change: c.1378-12G>C on transcript NM_001519.4 (MANE Select); 12 bases into the intron before coding-DNA position 1378, G replaced by C.
Molecular consequence: intron variant. On other transcripts: missense variant (1).
Genome position (GRCh38, 1-based): chr14:105,219,244, C>G on the plus strand (G>C on the coding strand, the complement: BRF1 is on the minus strand). VCF-style: chr14-105219244-C-G. GRCh37 (hg19) VCF-style: chr14-105685581-C-G.
Other names: c.1087G>C, p.Val363Leu (NM_001242786.2); c.1033-12G>C (NM_001242787.2); c.1297-12G>C (NM_001242788.2); c.664-12G>C (NM_001242789.2); c.766-12G>C (NM_145685.3); short protein forms V363L.
Identifiers: ClinVar variation 3901967 (VCV003901967.1).